The following is an entry in ClinVar:

ClinVar aggregate classification (germline): Uncertain significance. Review status: criteria provided, multiple submitters, no conflicts (2 of 4 stars). 2 submissions from 2 submitters: Uncertain significance (2). Last evaluated 2023-11-28.

Conditions:
Inborn genetic diseases. Identifiers: MedGen C0950123, MeSH D030342.
Spastic paraplegia. Identifiers: MedGen C0037772, HP:0001258.

Allele frequency attached by ClinVar (database versions not stated): TOPMed below 0.00001.
gnomAD v4.1: 1 of 1,536,560 alleles (0.000065%); highest among the groups gnomAD compares: Non-Finnish European, 0.000087%; no homozygotes.

Submissions (2):

Ambry Genetics
Classification: Uncertain significance for Inborn genetic diseases. Last evaluated: 2023-11-28. Review status: criteria provided, single submitter. Criteria: Ambry Variant Classification Scheme 2023. Collection method: clinical testing. Allele origin: germline.

Labcorp Genetics (formerly Invitae), Labcorp
Classification: Uncertain significance for Spastic paraplegia. Last evaluated: 2021-10-20. Review status: criteria provided, single submitter. Criteria: Invitae Variant Classification Sherloc (09022015). Collection method: clinical testing. Allele origin: germline.
Comment: Algorithms developed to predict the effect of missense changes on protein structure and function are either unavailable or do not agree on the potential impact of this missense change (SIFT: "Deleterious"; PolyPhen-2: "Benign"; Align-GVGD: "Class C0"). This missense change has been observed in individual(s) with FA2H-related conditions (Invitae). In at least one individual the data is consistent with the variant being in trans (on the opposite chromosome) from a pathogenic variant. The frequency data for this variant in the population databases is considered unreliable, as metrics indicate insufficient coverage at this position in the ExAC database. This sequence change replaces isoleucine with threonine at codon 58 of the FA2H protein (p.Ile58Thr). The isoleucine residue is moderately conserved and there is a moderate physicochemical difference between isoleucine and threonine. In summary, the available evidence is currently insufficient to determine the role of this variant in disease. Therefore, it has been classified as a Variant of Uncertain Significance.

NM_024306.5(FA2H):c.173T>C (p.Ile58Thr)

Genes: FA2H (fatty acid 2-hydroxylase; minus strand), LOC130059394 (ATAC-STARR-seq lymphoblastoid silent region 7701; plus strand). Cytogenetic location: 16q23.1.
Variant type: single nucleotide variant.
Coding change: c.173T>C on transcript NM_024306.5 (MANE Select); coding-DNA position 173, T replaced by C.
Protein change: p.Ile58Thr; replaces isoleucine 58 with threonine.
Molecular consequence: missense variant.
Genome position (GRCh38, 1-based): chr16:74,774,583, A>G on the plus strand (T>C on the coding strand, the complement: FA2H is on the minus strand). VCF-style: chr16-74774583-A-G. GRCh37 (hg19) VCF-style: chr16-74808481-A-G.
Other names: short protein forms I58T.
Identifiers: ClinVar variation 582427 (VCV000582427.10), dbSNP rs990027087, ClinGen allele CA283769973.